The following is an entry in ClinVar:

ClinVar aggregate classification (germline): Uncertain significance. Review status: criteria provided, multiple submitters, no conflicts (2 of 4 stars). 4 submissions from 4 submitters: Uncertain significance (4). Last evaluated 2024-12-07.

gnomAD v4.1: 1 of 1,570,130 alleles (0.000064%); highest among the groups gnomAD compares: Non-Finnish European, 0.000086%; no homozygotes.

Submissions (4):

Labcorp Genetics (formerly Invitae), Labcorp
Classification: Uncertain significance. Last evaluated: 2024-12-07. Review status: criteria provided, single submitter. Criteria: Invitae Variant Classification Sherloc (09022015). Collection method: clinical testing. Allele origin: germline.
Comment: This sequence change replaces arginine, which is basic and polar, with cysteine, which is neutral and slightly polar, at codon 116 of the FGFR3 protein (p.Arg116Cys). This variant is not present in population databases (gnomAD no frequency). This variant has not been reported in the literature in individuals affected with FGFR3-related conditions. ClinVar contains an entry for this variant (Variation ID: 284045). Invitae Evidence Modeling of protein sequence and biophysical properties (such as structural, functional, and spatial information, amino acid conservation, physicochemical variation, residue mobility, and thermodynamic stability) has been performed for this missense variant. However, the output from this modeling did not meet the statistical confidence thresholds required to predict the impact of this variant on FGFR3 protein function. In summary, the available evidence is currently insufficient to determine the role of this variant in disease. Therefore, it has been classified as a Variant of Uncertain Significance.

Blueprint Genetics
Classification: Uncertain significance. Last evaluated: 2022-08-15. Review status: criteria provided, single submitter. Criteria: ACMG Guidelines, 2015. Collection method: clinical testing. Allele origin: germline.

GeneDx
Classification: Uncertain significance. Last evaluated: 2022-01-11. Review status: criteria provided, single submitter. Criteria: GeneDx Variant Classification Process June 2021. Collection method: clinical testing. Allele origin: germline. Affected: yes.
Comment: Not observed at significant frequency in large population cohorts (gnomAD); In silico analysis supports that this missense variant has a deleterious effect on splicing; Has not been previously published as pathogenic or benign to our knowledge

Eurofins Ntd Llc (ga)
Classification: Uncertain significance. Last evaluated: 2016-06-30. Review status: criteria provided, single submitter. Criteria: EGL Classification Definitions 2015. Collection method: clinical testing. Allele origin: germline. Observed: 2 variant alleles, 2 heterozygotes.

NM_000142.5(FGFR3):c.346C>T (p.Arg116Cys)

Gene: FGFR3 (fibroblast growth factor receptor 3; plus strand). Cytogenetic location: 4p16.3.
Variant type: single nucleotide variant.
Coding change: c.346C>T on transcript NM_000142.5 (MANE Select); coding-DNA position 346, C replaced by T.
Protein change: p.Arg116Cys; replaces arginine 116 with cysteine.
Molecular consequence: missense variant. On other transcripts: non-coding transcript variant (1).
Genome position (GRCh38, 1-based): chr4:1,799,490, C>T. VCF-style: chr4-1799490-C-T. GRCh37 (hg19) VCF-style: chr4-1801217-C-T.
Other names: c.346C>T, p.Arg116Cys (NM_001163213.2, NM_001354809.2, NM_001354810.2 and 1 more transcripts); short protein forms R116C.
Identifiers: ClinVar variation 284045 (VCV000284045.10), dbSNP rs886042775, ClinGen allele CA10604671.